The following is an entry in ClinVar:

NM_005994.4(TBX2):c.986C>A (p.Pro329His)

Gene: TBX2 (T-box transcription factor 2; plus strand). Cytogenetic location: 17q23.2.
Variant type: single nucleotide variant.
Coding change: c.986C>A on transcript NM_005994.4 (MANE Select); coding-DNA position 986, C replaced by A.
Protein change: p.Pro329His; replaces proline 329 with histidine.
Molecular consequence: missense variant.
Genome position (GRCh38, 1-based): chr17:61,404,704, C>A. VCF-style: chr17-61404704-C-A. GRCh37 (hg19) VCF-style: chr17-59482065-C-A.
Other names: short protein forms P329H.
Identifiers: ClinVar variation 775111 (VCV000775111.30), dbSNP rs182290035, ClinGen allele CA8689264.

ClinVar aggregate classification (germline): Likely benign. Review status: criteria provided, multiple submitters, no conflicts (2 of 4 stars). 5 submissions from 5 submitters: Likely benign (4). 1 of the submissions does not count toward it. Last evaluated 2026-07-01.

Conditions:
TBX2-related disorder. Also called: TBX2-related condition.

Allele frequency attached by ClinVar (database versions not stated): 1000 Genomes Project 30x 0.00078; 1000 Genomes Project 0.00080; gnomAD 0.00124; ESP Exome Variant Server 0.00155; TOPMed 0.00196; ExAC 0.00294.
gnomAD v4.1: 4,393 of 1,567,464 alleles (0.28%); highest among the groups gnomAD compares: Non-Finnish European, 0.35%; 9 homozygotes.

Submissions (5):

CeGaT Center for Human Genetics Tuebingen
Classification: Likely benign. Last evaluated: 2026-07-01. Review status: criteria provided, single submitter. Criteria: CeGaT Center For Human Genetics Tuebingen Variant Classification Criteria Version 2. Collection method: clinical testing. Allele origin: germline. Affected: yes. Observed: 8 variant alleles.
Comment: TBX2: BS1

Blueprint Genetics
Classification: Likely benign. Last evaluated: 2024-10-22. Review status: criteria provided, single submitter. Criteria: ACMG Guidelines, 2015. Collection method: clinical testing. Allele origin: germline.

Labcorp Genetics (formerly Invitae), Labcorp
Classification: Likely benign. Last evaluated: 2019-12-31. Review status: criteria provided, single submitter. Criteria: Invitae Variant Classification Sherloc (09022015). Collection method: clinical testing. Allele origin: germline.

Breakthrough Genomics
Classification: Likely benign. Review status: criteria provided, single submitter. Criteria: ACMG Guidelines, 2015. Collection method: not provided. Allele origin: germline. Inheritance: Autosomal dominant inheritance. Affected: yes.

PreventionGenetics, part of Exact Sciences
Classification: Likely benign for TBX2-related condition. Last evaluated: 2022-08-12. Review status: no assertion criteria provided. Collection method: clinical testing. Allele origin: germline. Not counted in ClinVar's aggregate classification.
Comment: This variant is classified as likely benign based on ACMG/AMP sequence variant interpretation guidelines (Richards et al. 2015 PMID: 25741868, with internal and published modifications).